The following is an entry in ClinVar:

NM_007055.4(POLR3A):c.774T>C (p.Pro258=)

Gene: POLR3A (RNA polymerase III subunit A; minus strand). Cytogenetic location: 10q22.3.
Variant type: single nucleotide variant.
Coding change: c.774T>C on transcript NM_007055.4 (MANE Select); coding-DNA position 774, T replaced by C.
Protein change: p.Pro258=; no amino-acid change (proline 258 retained).
Molecular consequence: synonymous variant.
Genome position (GRCh38, 1-based): chr10:78,022,256, A>G on the plus strand (T>C on the coding strand, the complement: POLR3A is on the minus strand). VCF-style: chr10-78022256-A-G. GRCh37 (hg19) VCF-style: chr10-79782014-A-G.
Identifiers: ClinVar variation 878418 (VCV000878418.46), dbSNP rs144576999, ClinGen allele CA5571609.

ClinVar aggregate classification (germline): Conflicting classifications of pathogenicity. Review status: criteria provided, conflicting classifications (1 of 4 stars). 5 submissions from 5 submitters: Uncertain significance (1); Likely benign (3). 1 of the submissions does not count toward it. Last evaluated 2025-05-01.

Conditions:
POLR3A-related disorder. Also called: POLR3A-related condition; POLR3A-related disorders. Identifiers: MedGen CN378587, MONDO:0700276.
Leukodystrophy, hypomyelinating, 7, with or without oligodontia and/or hypogonadotropic hypogonadism (HLD7). Also called: LEUKODYSTROPHY, HYPOMYELINATING, 7, WITH OLIGODONTIA; LEUKODYSTROPHY, HYPOMYELINATING, 7, WITH OLIGODONTIA AND HYPOGONADOTROPIC HYPOGONADISM; LEUKODYSTROPHY, HYPOMYELINATING, 7, WITHOUT OLIGODONTIA OR HYPOGONADOTROPIC HYPOGONADISM; LEUKOENCEPHALOPATHY, HYPOMYELINATING, WITH ATAXIA AND DELAYED DENTITION; ATAXIA, DELAYED DENTITION, AND HYPOMYELINATION; Ataxia, Delayed Dentition and Hypomyelination (ADDH). Identifiers: Orphanet 137639, Orphanet 447893, Orphanet 447896, Orphanet 77295, Orphanet 88637, MedGen CN034185, MONDO:0011897, OMIM 607694.

Allele frequency attached by ClinVar (database versions not stated): ExAC 0.00004; gnomAD 0.00004 and 0.00005; gnomAD exomes 0.00006 and 0.00011; ESP Exome Variant Server 0.00008; TOPMed 0.00008.
gnomAD v4.1: 163 of 1,614,080 alleles (0.01%); highest among the groups gnomAD compares: Non-Finnish European, 0.014%; no homozygotes.

Submissions (5):

CeGaT Center for Human Genetics Tuebingen
Classification: Likely benign. Last evaluated: 2025-05-01. Review status: criteria provided, single submitter. Criteria: CeGaT Center For Human Genetics Tuebingen Variant Classification Criteria Version 2. Collection method: clinical testing. Allele origin: germline. Affected: yes. Observed: 2 variant alleles.
Comment: POLR3A: BP4, BP7

Blueprint Genetics
Classification: Likely benign. Last evaluated: 2024-11-01. Review status: criteria provided, single submitter. Criteria: ACMG Guidelines, 2015. Collection method: clinical testing. Allele origin: germline.

Labcorp Genetics (formerly Invitae), Labcorp
Classification: Likely benign. Last evaluated: 2024-10-15. Review status: criteria provided, single submitter. Criteria: Invitae Variant Classification Sherloc (09022015). Collection method: clinical testing. Allele origin: germline.

Illumina Laboratory Services, Illumina
Classification: Uncertain significance for Leukodystrophy, hypomyelinating, 7, with or without oligodontia and/or hypogonadotropic hypogonadism. Last evaluated: 2018-01-12. Review status: criteria provided, single submitter. Criteria: ICSL Variant Classification Criteria 13 December 2019. Collection method: clinical testing. Allele origin: germline.

PreventionGenetics, part of Exact Sciences
Classification: Likely benign for POLR3A-related condition. Last evaluated: 2021-07-19. Review status: no assertion criteria provided. Collection method: clinical testing. Allele origin: germline. Not counted in ClinVar's aggregate classification.
Comment: This variant is classified as likely benign based on ACMG/AMP sequence variant interpretation guidelines (Richards et al. 2015 PMID: 25741868, with internal and published modifications).